The following is an entry in ClinVar:

NM_001089.3(ABCA3):c.4028G>A (p.Arg1343Gln)

Gene: ABCA3 (ATP binding cassette subfamily A member 3; minus strand). Cytogenetic location: 16p13.3.
Variant type: single nucleotide variant.
Coding change: c.4028G>A on transcript NM_001089.3 (MANE Select); coding-DNA position 4028, G replaced by A.
Protein change: p.Arg1343Gln; replaces arginine 1343 with glutamine.
Molecular consequence: missense variant.
Genome position (GRCh38, 1-based): chr16:2,283,193, C>T on the plus strand (G>A on the coding strand, the complement: ABCA3 is on the minus strand). VCF-style: chr16-2283193-C-T. GRCh37 (hg19) VCF-style: chr16-2333194-C-T.
Other names: short protein forms R1343Q.
Identifiers: ClinVar variation 4803628 (VCV004803628.1).

ClinVar aggregate classification (germline): Uncertain significance (1 of 4 stars; one submission).

gnomAD v4.1: 147 of 1,612,846 alleles (0.0091%); highest among the groups gnomAD compares: Admixed American, 0.033%; no homozygotes.

Submission:

Labcorp Genetics (formerly Invitae), Labcorp
Classification: Uncertain significance. Last evaluated: 2025-06-27. Review status: criteria provided, single submitter. Criteria: Invitae Variant Classification Sherloc (09022015). Collection method: clinical testing. Allele origin: germline.
Comment: This sequence change replaces arginine, which is basic and polar, with glutamine, which is neutral and polar, at codon 1343 of the ABCA3 protein (p.Arg1343Gln). This variant is present in population databases (rs201643902, gnomAD 0.1%). This variant has not been reported in the literature in individuals affected with ABCA3-related conditions. An algorithm developed to predict the effect of missense changes on protein structure and function outputs the following: PolyPhen-2: "Benign". The glutamine amino acid residue is found in multiple mammalian species, which suggests that this missense change does not adversely affect protein function. In summary, the available evidence is currently insufficient to determine the role of this variant in disease. Therefore, it has been classified as a Variant of Uncertain Significance.